The following is an entry in ClinVar:

ClinVar aggregate classification (germline): Uncertain significance (1 of 4 stars; one submission).

Conditions:
Inborn genetic diseases. Identifiers: MedGen C0950123, MeSH D030342.

Submission:

Ambry Genetics
Classification: Uncertain significance for Inborn genetic diseases. Last evaluated: 2025-04-21. Review status: criteria provided, single submitter. Criteria: Ambry Variant Classification Scheme 2023. Collection method: clinical testing. Allele origin: germline.
Comment: The p.N20H variant (also known as c.58A>C), located in coding exon 1 of the SAMD9 gene, results from an A to C substitution at nucleotide position 58. The asparagine at codon 20 is replaced by histidine, an amino acid with similar properties. This amino acid position is conserved. In addition, this alteration is predicted to be tolerated by in silico analysis. Based on the available evidence, the clinical significance of this variant remains unclear.

NM_017654.4(SAMD9):c.58A>C (p.Asn20His)

Gene: SAMD9 (sterile alpha motif domain containing 9; minus strand). Cytogenetic location: 7q21.2.
Variant type: single nucleotide variant.
Coding change: c.58A>C on transcript NM_017654.4 (MANE Select); coding-DNA position 58, A replaced by C.
Protein change: p.Asn20His; replaces asparagine 20 with histidine.
Molecular consequence: missense variant.
Genome position (GRCh38, 1-based): chr7:93,106,040, T>G on the plus strand (A>C on the coding strand, the complement: SAMD9 is on the minus strand). VCF-style: chr7-93106040-T-G. GRCh37 (hg19) VCF-style: chr7-92735353-T-G.
Other names: c.58A>C, p.Asn20His (NM_001193307.2); short protein forms N20H.
Identifiers: ClinVar variation 3949582 (VCV003949582.1).